The following is an entry in ClinVar:

ClinVar aggregate classification (germline): Likely benign (1 of 4 stars; one submission).

gnomAD v4.1: 39 of 398,510 alleles (0.0098%); highest among the groups gnomAD compares: Middle Eastern, 0.063%; no homozygotes.

Submission:

CeGaT Center for Human Genetics Tuebingen
Classification: Likely benign. Last evaluated: 2026-05-01. Review status: criteria provided, single submitter. Criteria: CeGaT Center For Human Genetics Tuebingen Variant Classification Criteria Version 2. Collection method: clinical testing. Allele origin: germline. Affected: yes. Observed: 1 variant allele.
Comment: KCNQ1OT1: BS2

NM_000218.3(KCNQ1):c.1393+23676G>A

Genes: KCNQ1 (potassium voltage-gated channel subfamily Q member 1; plus strand), KCNQ1OT1 (KCNQ1 opposite strand/antisense transcript 1; minus strand). Cytogenetic location: 11p15.5.
Variant type: single nucleotide variant.
Coding change: c.1393+23676G>A on transcript NM_000218.3 (MANE Select); 23676 bases into the intron after coding-DNA position 1393, G replaced by A.
Molecular consequence: intron variant. On other transcripts: non-coding transcript variant (1).
Genome position (GRCh38, 1-based): chr11:2,612,530, G>A. VCF-style: chr11-2612530-G-A. GRCh37 (hg19) VCF-style: chr11-2633760-G-A.
Other names: c.1123+23676G>A (NM_001406837.1); c.1297+23676G>A (NM_001406836.1); c.853+23676G>A (NM_001406838.1); c.1012+23676G>A (NM_181798.2).
Identifiers: ClinVar variation 4873933 (VCV004873933.2).